The following is an entry in ClinVar:

ClinVar aggregate classification (germline): Benign/Likely benign. Review status: criteria provided, multiple submitters, no conflicts (2 of 4 stars). 4 submissions from 4 submitters: Benign (1); Likely benign (3). Last evaluated 2025-06-02.

Conditions:
Hereditary cancer-predisposing syndrome. Also called: Neoplastic Syndromes, Hereditary; Tumor predisposition; Hereditary Cancer Syndrome; Hereditary neoplastic syndrome. Identifiers: Orphanet 140162, MedGen C0027672, MeSH D009386, MONDO:0015356.
Tuberous sclerosis 2 (TSC2). Identifiers: Orphanet 805, MedGen C1860707, MONDO:0013199, OMIM 613254.
Tuberous sclerosis syndrome (TSC). Also called: Tuberous Sclerosis Complex; Tuberous sclerosis. Identifiers: Orphanet 805, MedGen C0041341, MONDO:0001734.

gnomAD v4.1: 2 of 1,612,738 alleles (0.00012%); highest among the groups gnomAD compares: East Asian, 0.0045%; no homozygotes.

Submissions (4):

Myriad Genetics, Inc.
Classification: Benign for Tuberous sclerosis 2. Last evaluated: 2025-06-02. Review status: criteria provided, single submitter. Criteria: Myriad Autosomal Dominant, Autosomal Recessive and X-Linked Classification Criteria (2023). Collection method: clinical testing. Allele origin: unknown.
Comment: This variant is considered benign. This variant is a silent/synonymous amino acid change and it is not expected to impact splicing.

Labcorp Genetics (formerly Invitae), Labcorp
Classification: Likely benign for Tuberous sclerosis 2. Last evaluated: 2024-12-09. Review status: criteria provided, single submitter. Criteria: Invitae Variant Classification Sherloc (09022015). Collection method: clinical testing. Allele origin: germline.

Color Diagnostics, LLC DBA Color Health
Classification: Likely benign for Tuberous sclerosis syndrome. Last evaluated: 2022-10-05. Review status: criteria provided, single submitter. Criteria: ACMG Guidelines, 2015. Collection method: clinical testing. Allele origin: germline.

Ambry Genetics
Classification: Likely benign for Hereditary cancer-predisposing syndrome. Last evaluated: 2022-04-04. Review status: criteria provided, single submitter. Criteria: Ambry Variant Classification Scheme 2023. Collection method: clinical testing. Allele origin: germline.

NM_000548.5(TSC2):c.4095G>C (p.Ser1365=)

Gene: TSC2 (TSC complex subunit 2; plus strand). Cytogenetic location: 16p13.3.
Variant type: single nucleotide variant.
Coding change: c.4095G>C on transcript NM_000548.5 (MANE Select); coding-DNA position 4095, G replaced by C.
Protein change: p.Ser1365=; no amino-acid change (serine 1365 retained).
Molecular consequence: synonymous variant. On other transcripts: non-coding transcript variant (5).
Genome position (GRCh38, 1-based): chr16:2,084,317, G>C. VCF-style: chr16-2084317-G-C. GRCh37 (hg19) VCF-style: chr16-2134318-G-C.
Other names: c.3894G>C, p.Ser1298= (NM_001077183.3); c.4026G>C, p.Ser1342= (NM_001114382.3); c.3786G>C, p.Ser1262= (NM_001318827.2); c.3750G>C, p.Ser1250= (NM_001318829.2); c.3363G>C, p.Ser1121= (NM_001318831.2); c.3927G>C, p.Ser1309= (NM_001318832.2); c.3897G>C, p.Ser1299= (NM_001363528.2); c.3963G>C, p.Ser1321= (NM_001370404.1); and 26 more.
Identifiers: ClinVar variation 1737775 (VCV001737775.6), dbSNP rs139630605, ClinGen allele CA493043202.